The following is an entry in ClinVar:

NM_032806.6(POMGNT2):c.1348A>G (p.Thr450Ala)

Gene: POMGNT2 (protein O-linked mannose N-acetylglucosaminyltransferase 2 (beta 1,4-); minus strand). Cytogenetic location: 3p22.1.
Variant type: single nucleotide variant.
Coding change: c.1348A>G on transcript NM_032806.6 (MANE Select); coding-DNA position 1348, A replaced by G.
Protein change: p.Thr450Ala; replaces threonine 450 with alanine.
Molecular consequence: missense variant.
Genome position (GRCh38, 1-based): chr3:43,080,084, T>C on the plus strand (A>G on the coding strand, the complement: POMGNT2 is on the minus strand). VCF-style: chr3-43080084-T-C. GRCh37 (hg19) VCF-style: chr3-43121576-T-C.
Other names: short protein forms T450A.
Identifiers: ClinVar variation 3901348 (VCV003901348.1).
Genomic context (GRCh38, chr3:43,080,084, plus strand): 5'-CTGGCCGGCCCTTCACCACGCGCCGTATGGTTTGAATGAGGGACGGGATGTCCACCTTGG[T>C]GTCCTGGTAGATTCGGAAGAGCCACTCGGGGTTCCGGCAACAGAGATGCCGTGGGACCTC-3'
Protein context (NP_116195.2, residues 440-460): PEWLFRIYQD[Thr450Ala]KVDIPSLIQT

ClinVar aggregate classification (germline): Uncertain significance (1 of 4 stars; one submission).

Submission:

GeneDx
Classification: Uncertain significance. Last evaluated: 2024-12-08. Review status: criteria provided, single submitter. Criteria: GeneDx Variant Classification Process June 2021. Collection method: clinical testing. Allele origin: germline. Affected: yes.
Comment: Not observed at significant frequency in large population cohorts (gnomAD); In silico analysis supports that this missense variant has a deleterious effect on protein structure/function; Has not been previously published as pathogenic or benign to our knowledge